The following is an entry in ClinVar:

ClinVar aggregate classification (germline): Conflicting classifications of pathogenicity. Review status: criteria provided, conflicting classifications (1 of 4 stars). 5 submissions from 5 submitters: Uncertain significance (1); Likely benign (3). 1 of the submissions does not count toward it. Last evaluated 2025-11-18.

Conditions:
Menkes kinky-hair syndrome (MNK). Also called: Copper transport disease; Menkes Disease; Classic Menkes Disease. Identifiers: Orphanet 565, MedGen C0022716, MONDO:0010651, OMIM 309400.
Cutis laxa, X-linked (OHS). Also called: EDS IX; Occipital horn syndrome. Identifiers: Orphanet 198, MedGen C0268353, MONDO:0010572, OMIM 304150.
X-linked distal spinal muscular atrophy type 3. Also called: SPINAL MUSCULAR ATROPHY, DISTAL, X-LINKED RECESSIVE; NEURONOPATHY, DISTAL HEREDITARY MOTOR, X-LINKED; NEUROPATHY, DISTAL HEREDITARY MOTOR, X-LINKED; ATP7A-Related Distal Motor Neuropathy. Identifiers: Orphanet 139557, MedGen C1845359, MONDO:0010338, OMIM 300489.

Allele frequency attached by ClinVar (database versions not stated): ExAC 0.00002; gnomAD 0.00002; gnomAD exomes 0.00002; TOPMed 0.00004.
gnomAD v4.1: 34 of 1,209,708 alleles (0.0028%); highest among the groups gnomAD compares: Non-Finnish European, 0.0031%; no homozygotes.

Submissions (5):

Labcorp Genetics (formerly Invitae), Labcorp
Classification: Likely benign for X-linked distal spinal muscular atrophy type 3; Cutis laxa, X-linked; Menkes kinky-hair syndrome. Last evaluated: 2025-11-18. Review status: criteria provided, single submitter. Criteria: Invitae Variant Classification Sherloc (09022015). Collection method: clinical testing. Allele origin: germline.

Victorian Clinical Genetics Services, Murdoch Childrens Research Institute
Classification: Likely benign for Menkes kinky-hair syndrome. Last evaluated: 2023-07-16. Review status: criteria provided, single submitter. Criteria: ACMG Guidelines, 2015. Collection method: clinical testing. Allele origin: germline. Inheritance: X-linked recessive inheritance. Affected: yes.
Comment: Based on the classification scheme VCGS_Germline_v1.3.4, this variant is classified as Likely benign. Following criteria are met: 0102 - Loss of function is a known mechanism of disease in this gene and is associated with occipital horn syndrome (OHS) (MIM#304150), Menkes disease (MIM#309400) and X-linked distal spinal muscular atrophy 3 (MIM#300489). (I) 0109 - This gene is associated with X-linked recessive disease. Female carriers have been previously described with the OHS phenotype and are more mildly affected (OMIM). (I) 0115 - Variants in this gene are known to have variable expressivity. Intrafamilial phenotypic variability is occasionally observed in females with Menkes disease (PMID: 25428120, GeneReviews). (I) 0200 - Variant is predicted to result in a missense amino acid change from leucine to phenylalanine. (I) 0253 - This variant is hemizygous. (I) 0304 - Variant is present in gnomAD <0.01 for a recessive condition (v3: 1 heterozygote, 0 homozygotes, 1 hemizygote). (SP) 0309 - An alternative amino acid change at the same position has been observed in gnomAD (v3: 0 heterozygotes, 0 homozygotes, 1 hemizygote). (I) 0503 - Missense variant consistently predicted to be tolerated by multiple in silico tools or not conserved in placental mammals with a minor amino acid change. (SB) 0604 - Variant is not located in an established domain, motif, hotspot or informative constraint region. (I) 0710 - Another missense variant comparable to the one identified in this case has inconclusive previous evidence for pathogenicity. The p.(Leu1452Trp) variant has been classified as a VUS by a clinical laboratory in ClinVar. (I) 0809 - Previous evidence of pathogenicity for this variant is inconclusive. The variant has been classified as a VUS by clinical laboratories in ClinVar and in an individual with congenital myopathies (PMID:25214167). (I) 0905 - No published segregation evidence has been identified for this variant. (I) 1007 - No published functional evidence has been identified for this variant. (I) 1208 - Inheritance information for this variant is not currently available in this individual. (I) Legend: (SP) - Supporting pathogenic, (I) - Information, (SB) - Supporting benign

CeGaT Center for Human Genetics Tuebingen
Classification: Likely benign. Last evaluated: 2023-01-01. Review status: criteria provided, single submitter. Criteria: CeGaT Center For Human Genetics Tuebingen Variant Classification Criteria Version 2. Collection method: clinical testing. Allele origin: germline. Affected: yes. Observed: 1 variant allele.
Comment: ATP7A: BP4

Fulgent Genetics
Classification: Uncertain significance for X-linked distal spinal muscular atrophy type 3; Cutis laxa, X-linked; Menkes kinky-hair syndrome. Last evaluated: 2021-08-13. Review status: criteria provided, single submitter. Criteria: ACMG Guidelines, 2015. Collection method: clinical testing. Allele origin: unknown.

Natera, Inc.
Classification: Uncertain significance for Menkes kinky hair syndrome. Last evaluated: 2020-11-05. Review status: no assertion criteria provided. Collection method: clinical testing. Allele origin: germline. Not counted in ClinVar's aggregate classification.

Literature cited by the submitters: PubMed 25214167 (cited by Victorian Clinical Genetics Services, Murdoch Childrens Research Institute); PubMed 25428120 (cited by Victorian Clinical Genetics Services, Murdoch Childrens Research Institute).

NM_000052.7(ATP7A):c.4356G>C (p.Leu1452Phe)

Gene: ATP7A (ATPase copper transporting alpha; plus strand). Cytogenetic location: Xq21.1.
Variant type: single nucleotide variant.
Coding change: c.4356G>C on transcript NM_000052.7 (MANE Select); coding-DNA position 4356, G replaced by C.
Protein change: p.Leu1452Phe; replaces leucine 1452 with phenylalanine.
Molecular consequence: missense variant. On other transcripts: non-coding transcript variant (1).
Genome position (GRCh38, 1-based): chrX:78,046,423, G>C. VCF-style: chrX-78046423-G-C. GRCh37 (hg19) VCF-style: chrX-77301920-G-C.
Other names: c.4122G>C, p.Leu1374Phe (NM_001282224.2); short protein forms L1452F, L1374F.
Identifiers: ClinVar variation 639627 (VCV000639627.34), dbSNP rs782364202, ClinGen allele CA10459547.
Genomic context (GRCh38, chrX:78,046,423, plus strand): 5'-AGAAATCAGCGTTCATGTTGGAATAGATGATACCTCAAGGAATTCTCCTAAACTGGGTTT[G>C]CTGGACCGGATTGTTAATTATAGCAGAGCCTCTATAAACTCACTACTGTCTGATAAACGC-3'
Protein context (NP_000043.4, residues 1442-1462): DTSRNSPKLG[Leu1452Phe]LDRIVNYSRA